The following is an entry in ClinVar:

ClinVar aggregate classification (germline): Conflicting classifications of pathogenicity. Review status: criteria provided, conflicting classifications (1 of 4 stars). 5 submissions from 5 submitters: Uncertain significance (3); Likely benign (2). Last evaluated 2026-05-06.

Conditions:
OTOF-related disorder. Also called: OTOF-related condition.
Autosomal recessive nonsyndromic hearing loss 9. Also called: Deafness, autosomal recessive 9; OTOF-Related Hearing Loss; AUDITORY NEUROPATHY, AUTOSOMAL RECESSIVE, 1, TEMPERATURE-SENSITIVE; NEUROSENSORY NONSYNDROMIC RECESSIVE DEAFNESS 9. Identifiers: Orphanet 90636, MedGen C1832828, MONDO:0010986, OMIM 601071.

Allele frequency attached by ClinVar (database versions not stated): gnomAD exomes 0.00004 and 0.00014; ExAC 0.00013; gnomAD 0.00029 and 0.00030; TOPMed 0.00030; 1000 Genomes Project 30x 0.00031; 1000 Genomes Project 0.00040; ESP Exome Variant Server 0.00054.
gnomAD v4.1: 100 of 1,614,018 alleles (0.0062%); highest among the groups gnomAD compares: African/African-American, 0.099%; no homozygotes.

Submissions (5):

PreventionGenetics, part of Exact Sciences
Classification: Likely benign for OTOF-related condition. Last evaluated: 2026-05-06. Review status: criteria provided, single submitter. Criteria: ACMG Guidelines, 2015. Collection method: clinical testing. Allele origin: germline.
Comment: This variant is classified as likely benign based on ACMG/AMP sequence variant interpretation guidelines (Richards et al. 2015 PMID: 25741868, with internal and published modifications).

GeneDx
Classification: Uncertain significance. Last evaluated: 2025-07-12. Review status: criteria provided, single submitter. Criteria: GeneDx Variant Classification Process June 2021. Collection method: clinical testing. Allele origin: germline. Affected: yes.
Comment: In silico analysis supports that this missense variant has a deleterious effect on protein structure/function; Has not been previously published as pathogenic or benign to our knowledge

Labcorp Genetics (formerly Invitae), Labcorp
Classification: Likely benign. Last evaluated: 2025-04-17. Review status: criteria provided, single submitter. Criteria: Invitae Variant Classification Sherloc (09022015). Collection method: clinical testing. Allele origin: germline.

Blueprint Genetics
Classification: Uncertain significance. Last evaluated: 2021-01-21. Review status: criteria provided, single submitter. Criteria: ACMG Guidelines, 2015. Collection method: clinical testing. Allele origin: germline.

Illumina Laboratory Services, Illumina
Classification: Uncertain significance for Autosomal recessive nonsyndromic hearing loss 9. Last evaluated: 2018-01-13. Review status: criteria provided, single submitter. Criteria: ICSL Variant Classification Criteria 13 December 2019. Collection method: clinical testing. Allele origin: germline.

NM_194248.3(OTOF):c.1135G>A (p.Val379Met)

Gene: OTOF (otoferlin; minus strand). Cytogenetic location: 2p23.3.
Variant type: single nucleotide variant.
Coding change: c.1135G>A on transcript NM_194248.3 (MANE Select); coding-DNA position 1135, G replaced by A.
Protein change: p.Val379Met; replaces valine 379 with methionine.
Molecular consequence: missense variant.
Genome position (GRCh38, 1-based): chr2:26,484,544, C>T on the plus strand (G>A on the coding strand, the complement: OTOF is on the minus strand). VCF-style: chr2-26484544-C-T. GRCh37 (hg19) VCF-style: chr2-26707412-C-T.
Other names: c.1135G>A, p.Val379Met (NM_001287489.2); short protein forms V379M.
Identifiers: ClinVar variation 895173 (VCV000895173.16), dbSNP rs141111646, ClinGen allele CA1564371.